The following is an entry in ClinVar:

NM_000543.5(SMPD1):c.730G>A (p.Gly244Arg)

Gene: SMPD1 (sphingomyelin phosphodiesterase 1; plus strand). Cytogenetic location: 11p15.4.
Variant type: single nucleotide variant.
Coding change: c.730G>A on transcript NM_000543.5 (MANE Select); coding-DNA position 730, G replaced by A.
Protein change: p.Gly244Arg; replaces glycine 244 with arginine.
Molecular consequence: missense variant. On other transcripts: 5 prime UTR variant (1), non-coding transcript variant (1).
Genome position (GRCh38, 1-based): chr11:6,391,795, G>A. VCF-style: chr11-6391795-G-A. GRCh37 (hg19) VCF-style: chr11-6413025-G-A.
Other names: G242R; c.727G>A, p.Gly243Arg (NM_001007593.3); c.730G>A, p.Gly244Arg (NM_001318087.2, NM_001365135.2); c.-232G>A (NM_001318088.2); c.730G>A (NM_000543.4); short protein forms G244R, G243R.
Identifiers: ClinVar variation 2987 (VCV000002987.27), dbSNP rs120074122, ClinGen allele CA252517.

ClinVar aggregate classification (germline): Pathogenic/Likely pathogenic. Review status: criteria provided, multiple submitters, no conflicts (2 of 4 stars). 11 submissions from 11 submitters: Pathogenic (2); Likely pathogenic (8). 1 of the submissions does not count toward it. Last evaluated 2026-01-15.

Conditions:
SMPD1-related disorder. Also called: SMPD1-related condition.
Niemann-Pick disease, type A. Also called: Infantile Neurovisceral ASMD (Niemann-Pick Disease Type A; NPD-A); SPHINGOMYELIN LIPIDOSIS; SPHINGOMYELINASE DEFICIENCY. Identifiers: Orphanet 77292, MedGen C0268242, MONDO:0009756, OMIM 257200. Disease mechanism: loss of function.
Niemann-Pick disease, type B. Also called: Chronic Visceral ASMD (Niemann-Pick Disease Type B; NPD-B). Identifiers: Orphanet 77293, MedGen C0268243, MONDO:0011871, OMIM 607616. Disease mechanism: loss of function.
Sphingomyelin/cholesterol lipidosis. Also called: Niemann-Pick disease. Identifiers: MedGen C0028064, MONDO:0001982.

Allele frequency attached by ClinVar (database versions not stated): ExAC 0.00001; gnomAD 0.00002 and 0.00003; gnomAD exomes 0.00003; TOPMed 0.00006.

Submissions (11):

Labcorp Genetics (formerly Invitae), Labcorp
Classification: Likely pathogenic for Niemann-Pick disease, type B; Niemann-Pick disease, type A. Last evaluated: 2026-01-15. Review status: criteria provided, single submitter. Criteria: Invitae Variant Classification Sherloc (09022015). Collection method: clinical testing. Allele origin: germline.
Comment: This sequence change replaces glycine, which is neutral and non-polar, with arginine, which is basic and polar, at codon 244 of the SMPD1 protein (p.Gly244Arg). This variant is present in population databases (rs120074122, gnomAD 0.006%). This missense change has been observed in individuals with Niemann-Pick disease (PMID: 1618760, 26981555). This variant is also known as G242R. ClinVar contains an entry for this variant (Variation ID: 2987). Invitae Evidence Modeling of protein sequence and biophysical properties (such as structural, functional, and spatial information, amino acid conservation, physicochemical variation, residue mobility, and thermodynamic stability) indicates that this missense variant is expected to disrupt SMPD1 protein function with a positive predictive value of 95%. Experimental studies have shown that this missense change affects SMPD1 function (PMID: 1618760). In summary, the currently available evidence indicates that the variant is pathogenic, but additional data are needed to prove that conclusively. Therefore, this variant has been classified as Likely Pathogenic.

Women's Health and Genetics/Laboratory Corporation of America, LabCorp
Classification: Pathogenic for Sphingomyelin/cholesterol lipidosis. Last evaluated: 2026-01-06. Review status: criteria provided, single submitter. Criteria: LabCorp Variant Classification Summary - May 2015. Collection method: clinical testing. Allele origin: germline.
Comment: Variant summary: SMPD1 c.730G>A (p.Gly244Arg) results in a non-conservative amino acid change located in the Calcineurin-like phosphoesterase domain, ApaH type (IPR004843) of the encoded protein sequence. Algorithms developed to predict the effect of missense changes on protein structure and function are either unavailable or do not agree on the potential impact of this missense change. The variant allele was found at a frequency of 2.8e-05 in 248164 control chromosomes (gnomAD). c.730G>A has been observed in multiple individuals affected with Niemann-Pick Disease (e.g. Takahashi_1992, Reunert_2016, Hu_2021, Mauhin_2021, Froissart_2025). These data indicate that the variant is very likely to be associated with disease. Experimental evidence using transfected COS-1 cells showed that the variant had approximately 40% residual activity when compared to wild-type (Takahashi_1992). The following publications have been ascertained in the context of this evaluation (PMID: 26981555, 1618760, 33675270, 34768550, 40106870). ClinVar contains an entry for this variant (Variation ID: 2987). Based on the evidence outlined above, the variant was classified as pathogenic.

Dasa
Classification: Likely pathogenic. Last evaluated: 2025-07-15. Review status: criteria provided, single submitter. Criteria: DASA Assertion Criteria. Collection method: clinical testing. Allele origin: germline.
Comment: NM_000543.5(SMPD1):c.730G>A (p.Gly244Arg) is a missense variant that results in the substitution of glycine with arginine. This variant has been recurrently observed in individuals with SMPD1-related disorders (PMID: 1618760; PMID: 26981555). Functional evidence supports an impact on the gene or gene product. Also, this variant is rare in population databases. Computational evidence supports a deleterious effect. Based on the currently available evidence, this variant is classified as likely pathogenic.

Natera, Inc.
Classification: Likely pathogenic for Niemann-Pick Disease, Types A/B. Last evaluated: 2025-04-25. Review status: criteria provided, single submitter. Criteria: Natera Variant Classification Schema (03/2026). Collection method: clinical testing. Allele origin: germline.
Comment: The c.730G>A variant in SMPD1 is a missense variant predicted to cause substitution of glycine to arginine at amino acid 244. This variant is rare in the general population with a frequency below the threshold expected for the associated phenotype(s). This variant has been observed in one or more individuals affected with the associated recessive disease, as either homozygous or compound heterozygous with a second variant (PMID: 1618760, 29966168, 34768550). This variant has been identified in one or more affected individual with a phenotype highly consistent with the associated gene (PMID: 1618760). Functional studies show that this variant may disrupt protein function (PMID: 1618760). Computational prediction algorithms indicate this variant is likely to affect gene or protein function. Given the available evidence, this variant is classified as Likely Pathogenic.

PreventionGenetics, part of Exact Sciences
Classification: Likely pathogenic for SMPD1-related condition. Last evaluated: 2025-03-31. Review status: criteria provided, single submitter. Criteria: ACMG Guidelines, 2015. Collection method: clinical testing. Allele origin: germline.
Comment: The SMPD1 c.730G>A variant is predicted to result in the amino acid substitution p.Gly244Arg. This variant has been reported in individuals with Niemann-Pick disease, including in the compound heterozygous state (See for example, reported as p.Gly242Arg, Takahashi et al. 1992. PubMed ID: 1618760; Table e1, Hu et al. 2021. PubMed ID: 33675270; Table S1, Reunert et al. 2015. PubMed ID: 26981555). In vitro studies in COS-1 cells showed that this variant results in approximately 40% enzyme activity compared to wildtype (Takahashi et al. 1992. PubMed ID: 1618760). This variant has conflicting interpretations ranging from uncertain to pathogenic in Clin Var. This variant is reported in 0.0055% of alleles in individuals of European (Non-Finnish) descent in gnomAD. This variant is interpreted as likely pathogenic.

Baylor Genetics
Classification: Likely pathogenic for Niemann-Pick disease, type A. Last evaluated: 2024-03-26. Review status: criteria provided, single submitter. Criteria: ACMG Guidelines, 2015. Collection method: clinical testing. Allele origin: unknown.

Fulgent Genetics
Classification: Likely pathogenic for Niemann-Pick disease, type A; Niemann-Pick disease, type B. Last evaluated: 2022-01-15. Review status: criteria provided, single submitter. Criteria: ACMG Guidelines, 2015. Collection method: clinical testing. Allele origin: unknown.

Revvity Omics, Revvity
Classification: Likely pathogenic. Last evaluated: 2021-10-28. Review status: criteria provided, single submitter. Criteria: ACMG Guidelines, 2015. Collection method: clinical testing. Allele origin: germline.

Broad Center for Mendelian Genomics, Broad Institute of MIT and Harvard
Classification: Likely pathogenic for Sphingomyelin/cholesterol lipidosis. Last evaluated: 2020-01-22. Review status: criteria provided, single submitter. Criteria: ACMG Guidelines, 2015. Collection method: curation. Allele origin: germline. Inheritance: Autosomal recessive inheritance.
Comment: The p.Gly244Arg variant in SMPD1 (also known as p.Gly242Arg due to a difference in cDNA numbering) has been reported in at least 2 individuals with Niemann-Pick disease (PMID: 26981555, 1618760) and has been identified in 0.005% (7/128084) of European (non-Finnish) chromosomes and 0.003% (1/135346) of Latino chromosomes by the Genome Aggregation Database (gnomAD; dbSNP rs120074122). Although this variant has been seen in the general population, its frequency is low enough to be consistent with a recessive carrier frequency. This variant has also been reported in ClinVar (VariationID: 2987) as pathogenic by OMIM and EGL Genetic Diagnostics. Computational prediction tools and conservation analyses suggest that this variant may impact the protein, though this information is not predictive enough to determine pathogenicity. The presence of this variant in combination with a likely pathogenic variant and in an individual with Niemann-Pick disease increases the likelihood that the p.Asn385Ser variant is pathogenic (VariationID: 2988; PMID: 1618760). The p.Asn385Ser is located in a mutational hot spot and a region of SMPD1 that is essential to protein folding and stability, suggesting that this variant is in a functional domain and slightly supports pathogenicity (PMID: 27725636, 1618760). In summary, although additional studies are required to fully establish its clinical significance, this variant is likely pathogenic. ACMG/AMP Criteria applied: PM2, PM3, PP3, PM1_supporting (Richards 2015).

Eurofins Ntd Llc (ga)
Classification: Pathogenic. Last evaluated: 2016-12-06. Review status: criteria provided, single submitter. Criteria: EGL Classification Definitions 2015. Collection method: clinical testing. Allele origin: germline. Observed: 3 variant alleles, 3 heterozygotes.

OMIM
Classification: Pathogenic for NIEMANN-PICK DISEASE, TYPE B. Last evaluated: 1992-01-01. Review status: no assertion criteria provided. Collection method: literature only. Allele origin: germline. Not counted in ClinVar's aggregate classification.

Literature cited by the submitters: PubMed 1618760 (cited by 5 submitters); PubMed 26981555 (cited by 4 submitters); PubMed 33675270 (cited by Women's Health and Genetics/Laboratory Corporation of America, LabCorp); PubMed 34768550 (cited by Women's Health and Genetics/Laboratory Corporation of America, LabCorp and Natera, Inc.); PubMed 40106870 (cited by Women's Health and Genetics/Laboratory Corporation of America, LabCorp); PubMed 29966168 (cited by Natera, Inc.); PubMed 27725636 (cited by Broad Center for Mendelian Genomics, Broad Institute of MIT and Harvard); PubMed 1301192 (cited by OMIM).